The following is an entry in ClinVar:

NM_015041.3(CLUAP1):c.496-3_496-2insGGA

Gene: CLUAP1 (clusterin associated protein 1; plus strand). Cytogenetic location: 16p13.3.
Variant type: Insertion.
Coding change: c.496-3_496-2insGGA on transcript NM_015041.3 (MANE Select); 3 bases into the intron before coding-DNA position 496 through the canonical splice acceptor site of the intron before coding-DNA position 496, GGA inserted.
Molecular consequence: splice acceptor variant.
Genome position: GRCh38 VCF-style: chr16-3515505-T-TGGA. GRCh37 (hg19) VCF-style: chr16-3565505-T-TGGA.
Other names: c.496-3_496-2insGGA (NM_001330454.2); c.-3-3_-3-2insGGA (NM_024793.3).
Identifiers: ClinVar variation 3676315 (VCV003676315.2).

ClinVar aggregate classification (germline): Uncertain significance (1 of 4 stars; one submission).

Submission:

Labcorp Genetics (formerly Invitae), Labcorp
Classification: Uncertain significance. Last evaluated: 2024-07-12. Review status: criteria provided, single submitter. Criteria: Invitae Variant Classification Sherloc (09022015). Collection method: clinical testing. Allele origin: germline.
Comment: This sequence change falls in intron 5 of the CLUAP1 gene. It does not directly change the encoded amino acid sequence of the CLUAP1 protein. It affects a nucleotide within the consensus splice site. This variant is not present in population databases (gnomAD no frequency). This variant has not been reported in the literature in individuals affected with CLUAP1-related conditions. Variants that disrupt the consensus splice site are a relatively common cause of aberrant splicing (PMID: 17576681, 9536098). Algorithms developed to predict the effect of sequence changes on RNA splicing suggest that this variant may disrupt the consensus splice site. In summary, the available evidence is currently insufficient to determine the role of this variant in disease. Therefore, it has been classified as a Variant of Uncertain Significance.

Literature cited by the submitters: PubMed 17576681; PubMed 9536098.